The following is an entry in ClinVar:

NM_005026.5(PIK3CD):c.733G>A (p.Gly245Ser)

Gene: PIK3CD (phosphatidylinositol-4,5-bisphosphate 3-kinase catalytic subunit delta; plus strand). Cytogenetic location: 1p36.22.
Variant type: single nucleotide variant.
Coding change: c.733G>A on transcript NM_005026.5 (MANE Select); coding-DNA position 733, G replaced by A.
Protein change: p.Gly245Ser; replaces glycine 245 with serine.
Molecular consequence: missense variant.
Genome position (GRCh38, 1-based): chr1:9,716,572, G>A. VCF-style: chr1-9716572-G-A. GRCh37 (hg19) VCF-style: chr1-9776630-G-A.
Other names: c.733G>A, p.Gly245Ser (NM_001350234.2, NM_001350235.1); short protein forms G245S.
Identifiers: ClinVar variation 1489270 (VCV001489270.8), dbSNP rs201035266, ClinGen allele CA576961.

ClinVar aggregate classification (germline): Uncertain significance (1 of 4 stars; one submission).

Conditions:
Immunodeficiency 14 (IMD14A). Also called: ACTIVATED PI3K-DELTA SYNDROME 1; Activated PI3K Delta Syndrome Type 1 (APDS1); p110-DELTA-ACTIVATING MUTATION CAUSING SENESCENT T CELLS, LYMPHADENOPATHY, AND IMMUNODEFICIENCY; IMMUNODEFICIENCY 14A WITH LYMPHOPROLIFERATION, AUTOSOMAL DOMINANT. Identifiers: Orphanet 397596, Orphanet 693661, MedGen C5907821, MONDO:0014222, OMIM 615513.

Allele frequency attached by ClinVar (database versions not stated): TOPMed 0.00001; gnomAD 0.00002; ExAC 0.00005; 1000 Genomes Project 0.00040; 1000 Genomes Project 30x 0.00047.
gnomAD v4.1: 18 of 1,593,578 alleles (0.0011%); highest among the groups gnomAD compares: South Asian, 0.0045%; no homozygotes.

Submission:

Labcorp Genetics (formerly Invitae), Labcorp
Classification: Uncertain significance for Activated PI3K-delta syndrome. Last evaluated: 2026-02-01. Review status: criteria provided, single submitter. Criteria: Invitae Variant Classification Sherloc (09022015). Collection method: clinical testing. Allele origin: germline.
Comment: This sequence change replaces glycine, which is neutral and non-polar, with serine, which is neutral and polar, at codon 245 of the PIK3CD protein (p.Gly245Ser). This variant is present in population databases (rs201035266, gnomAD 0.008%). This variant has not been reported in the literature in individuals affected with PIK3CD-related conditions. ClinVar contains an entry for this variant (Variation ID: 1489270). Invitae Evidence Modeling of protein sequence and biophysical properties (such as structural, functional, and spatial information, amino acid conservation, physicochemical variation, residue mobility, and thermodynamic stability) indicates that this missense variant is expected to disrupt PIK3CD protein function with a positive predictive value of 80%. In summary, the available evidence is currently insufficient to determine the role of this variant in disease. Therefore, it has been classified as a Variant of Uncertain Significance.